The following is an entry in ClinVar:

ClinVar aggregate classification (germline): Uncertain significance (1 of 4 stars; one submission).

Conditions:
Hereditary cancer-predisposing syndrome. Also called: Neoplastic Syndromes, Hereditary; Tumor predisposition; Hereditary neoplastic syndrome; Hereditary Cancer Syndrome. Identifiers: Orphanet 140162, MedGen C0027672, MeSH D009386, MONDO:0015356.

Allele frequency attached by ClinVar (database versions not stated): gnomAD exomes below 0.00001.

Submission:

Ambry Genetics
Classification: Uncertain significance for Hereditary cancer-predisposing syndrome. Last evaluated: 2025-06-05. Review status: criteria provided, single submitter. Criteria: Ambry Variant Classification Scheme 2023. Collection method: clinical testing. Allele origin: germline.
Comment: The p.M1402V variant (also known as c.4204A>G), located in coding exon 21 of the DICER1 gene, results from an A to G substitution at nucleotide position 4204. The methionine at codon 1402 is replaced by valine, an amino acid with highly similar properties. This amino acid position is not well conserved in available vertebrate species. In addition, this alteration is predicted to be tolerated by in silico analysis. Based on the available evidence, the clinical significance of this variant remains unclear.

NM_177438.3(DICER1):c.4204A>G (p.Met1402Val)

Gene: DICER1 (dicer 1, ribonuclease III; minus strand). Cytogenetic location: 14q32.13.
Variant type: single nucleotide variant.
Coding change: c.4204A>G on transcript NM_177438.3 (MANE Select); coding-DNA position 4204, A replaced by G.
Protein change: p.Met1402Val; replaces methionine 1402 with valine.
Molecular consequence: missense variant.
Genome position (GRCh38, 1-based): chr14:95,099,782, T>C on the plus strand (A>G on the coding strand, the complement: DICER1 is on the minus strand). VCF-style: chr14-95099782-T-C. GRCh37 (hg19) VCF-style: chr14-95566119-T-C.
Other names: c.4204A>G, p.Met1402Val (NM_001195573.1, NM_001271282.3, NM_001291628.2 and 1 more transcripts); short protein forms M1402V.
Identifiers: ClinVar variation 824675 (VCV000824675.5), dbSNP rs1356366359, ClinGen allele CA390871692.
Genomic context (GRCh38, chr14:95,099,782, plus strand): 5'-CCCTCCAGTTACACACACACACACACACACACACACACACACACACACACAAACTTACCA[T>C]TTCATCTTTTTCCCATTTATCTGTGTTGCTTTTGTCTTGATTTACTACATAACCAGGAGG-3'
Protein context (NP_803187.1, residues 1392-1412): SNTDKWEKDE[Met1402Val]TKDCMLANGK